The following is an entry in ClinVar:

ClinVar aggregate classification (germline): Pathogenic. Review status: criteria provided, multiple submitters, no conflicts (2 of 4 stars). 9 submissions from 9 submitters: Pathogenic (6). 3 of the submissions do not count toward it. Last evaluated 2026-02-07.

Conditions:
PAH-related disorder. Also called: PAH-related condition.
Phenylketonuria (PKU). Also called: Phenylketonuria (PKU); Phenylketonurias; OLIGOPHRENIA PHENYLPYRUVICA; FOLLING DISEASE. Identifiers: Orphanet 716, MedGen C0031485, MONDO:0009861, OMIM 261600. Disease mechanism: loss of function.

Allele frequency attached by ClinVar (database versions not stated): ExAC 0.00001; gnomAD exomes below 0.00001 and 0.00001; TOPMed 0.00002; gnomAD 0.00001.
gnomAD v4.1: 4 of 1,613,982 alleles (0.00025%); highest among the groups gnomAD compares: African/African-American, 0.0027%; no homozygotes.

Submissions (9):

Otogenetics
Classification: Pathogenic for Phenylketonuria. Last evaluated: 2026-02-07. Review status: criteria provided, single submitter. Criteria: ACMG Guidelines, 2015. Collection method: clinical testing. Allele origin: germline.
Comment: PS3_Supporting: Well-established in vitro and in vivo functional studies supportive of damaging effect on the gene product, with low residual enzymatic activity relative to wild-type reported (PMID: 17924342, 21953985); PM2_Supporting: Maximum gnomAD MAF of 0.0062% in African (AFR) subpopulation (<0.02% threshold); PM3_VeryStrong: Variant reported in trans with seven pathogenic variants in seven individuals affected with phenylketonuria (PMID: 8830172, 9169088, 10479481, 18299955); PM5: Pathogenic missense amino acid changes occur in same position: c.775G>A p.Ala259Thr (PMID: 17924342); PP3_Strong: In-silico models predict deleterious effect (Revel = 0.95, BayesDel = 0.6)

Natera, Inc.
Classification: Pathogenic for Phenylketonuria. Last evaluated: 2025-03-10. Review status: criteria provided, single submitter. Criteria: Natera Variant Classification Schema (03/2026). Collection method: clinical testing. Allele origin: germline.
Comment: The c.776C>T variant in PAH is a missense variant predicted to cause substitution of alanine to valine at amino acid 259. This variant is rare in the general population with a frequency below the threshold expected for the associated phenotype(s). This variant has been observed in one or more individuals affected with the associated recessive disease, as either homozygous or compound heterozygous with a second variant (PMID: 26666653, 18299955). Computational prediction algorithms indicate this variant is likely to affect gene or protein function. Given the available evidence, this variant is classified as Pathogenic.

Labcorp Genetics (formerly Invitae), Labcorp
Classification: Pathogenic for Phenylketonuria. Last evaluated: 2024-03-20. Review status: criteria provided, single submitter. Criteria: Invitae Variant Classification Sherloc (09022015). Collection method: clinical testing. Allele origin: germline.
Comment: This sequence change replaces alanine, which is neutral and non-polar, with valine, which is neutral and non-polar, at codon 259 of the PAH protein (p.Ala259Val). This variant is present in population databases (rs118203921, gnomAD 0.007%). This missense change has been observed in individual(s) with phenylketonuria (PMID: 2035532, 18299955, 26666653). ClinVar contains an entry for this variant (Variation ID: 602). Advanced modeling of protein sequence and biophysical properties (such as structural, functional, and spatial information, amino acid conservation, physicochemical variation, residue mobility, and thermodynamic stability) performed at Invitae indicates that this missense variant is expected to disrupt PAH protein function with a positive predictive value of 80%. Experimental studies have shown that this missense change affects PAH function (PMID: 8304187, 9799096, 10479481). For these reasons, this variant has been classified as Pathogenic.

Women's Health and Genetics/Laboratory Corporation of America, LabCorp
Classification: Pathogenic for Phenylketonuria. Last evaluated: 2023-07-31. Review status: criteria provided, single submitter. Criteria: LabCorp Variant Classification Summary - May 2015. Collection method: clinical testing. Allele origin: germline.
Comment: Variant summary: PAH c.776C>T (p.Ala259Val) results in a non-conservative amino acid change located in the aromatic amino acid hydroxylase, C-terminal domain (IPR019774) of the encoded protein sequence. Five of five in-silico tools predict a damaging effect of the variant on protein function. The variant allele was found at a frequency of 8e-06 in 251340 control chromosomes (gnomAD). c.776C>T has been reported in the literature in multiple individuals affected with Phenylalanine Hydroxylase Deficiency (Phenylketonuria) (e.g. Koch_1997, Benit_1999, Jeannesson-Thivisol_2015). These data indicate that the variant is very likely to be associated with disease. At least one publication reports experimental evidence evaluating an impact on protein function and found the variant results in <5% of normal activity (e.g. Benit_1999). The following publications have been ascertained in the context of this evaluation (PMID: 10479481, 26666653, 9169088). Two submitters have cited clinical-significance assessments for this variant to ClinVar after 2014 and classified the variant as pathogenic and likely pathogenic. Based on the evidence outlined above, the variant was classified as pathogenic.

Baylor Genetics
Classification: Pathogenic for Phenylketonuria. Last evaluated: 2023-01-10. Review status: criteria provided, single submitter. Criteria: ACMG Guidelines, 2015. Collection method: clinical testing. Allele origin: unknown.

Blueprint Genetics
Classification: Pathogenic for PAH-related disorders. Last evaluated: 2021-10-07. Review status: criteria provided, single submitter. Criteria: ACMG Guidelines, 2015. Collection method: clinical testing. Allele origin: germline. Affected: yes. Observed: 1 variant allele.

Counsyl
Classification: Likely pathogenic for Phenylketonuria. Last evaluated: 2016-08-23. Review status: no assertion criteria provided. Collection method: clinical testing. Allele origin: unknown. Not counted in ClinVar's aggregate classification.

OMIM
Classification: Pathogenic for PHENYLKETONURIA. Last evaluated: 1991-06-01. Review status: no assertion criteria provided. Collection method: literature only. Allele origin: germline. Not counted in ClinVar's aggregate classification.

DeBelle Laboratory for Biochemical Genetics, MUHC/MCH RESEARCH INSTITUTE
No classification provided. Review status: no classification provided. Collection method: not provided. Allele origin: not provided. Not counted in ClinVar's aggregate classification.

Literature cited by the submitters: PubMed 8830172 (cited by Otogenetics and Counsyl); PubMed 9169088 (cited by Otogenetics and Women's Health and Genetics/Laboratory Corporation of America, LabCorp); PubMed 10479481 (cited by 4 submitters); PubMed 17924342 (cited by Otogenetics); PubMed 18299955 (cited by 4 submitters); PubMed 21953985 (cited by Otogenetics and Counsyl); PubMed 26666653 (cited by 3 submitters); PubMed 2035532 (cited by 3 submitters); PubMed 8304187 (cited by Labcorp Genetics (formerly Invitae), Labcorp and Counsyl); PubMed 9799096 (cited by Labcorp Genetics (formerly Invitae), Labcorp and Counsyl); PubMed 7913581 (cited by Counsyl); PubMed 23357515 (cited by Counsyl); PubMed 16176881 (cited by Counsyl); PubMed 23430918 (cited by Counsyl).

NM_000277.3(PAH):c.776C>T (p.Ala259Val)

Gene: PAH (phenylalanine hydroxylase; minus strand). Cytogenetic location: 12q23.2.
Variant type: single nucleotide variant.
Coding change: c.776C>T on transcript NM_000277.3 (MANE Select); coding-DNA position 776, C replaced by T.
Protein change: p.Ala259Val; replaces alanine 259 with valine.
Molecular consequence: missense variant.
Genome position (GRCh38, 1-based): chr12:102,852,881, G>A on the plus strand (C>T on the coding strand, the complement: PAH is on the minus strand). VCF-style: chr12-102852881-G-A. GRCh37 (hg19) VCF-style: chr12-103246659-G-A.
Other names: c.776C>T, p.Ala259Val (NM_001354304.2); c.776C>T (NM_000277.2); short protein forms A259V.
Identifiers: ClinVar variation 602 (VCV000000602.94), dbSNP rs118203921, ClinGen allele CA229756.
Genomic context (GRCh38, chr12:102,852,881, plus strand): 5'-GGGGTATACATGGGCTTGGATCCATGTCTGATGTACTGTGTGCAGTGGAAGACTCGGAAG[G>A]CCAGGCCACCCAAGAAATCCCGAGAGGAAAGCAGGCCAGCCACAGGTCGGAGGCGGAAAC-3'
Protein context (NP_000268.1, residues 249-269): LSSRDFLGGL[Ala259Val]FRVFHCTQYI